The following is an entry in ClinVar:

NM_016341.4(PLCE1):c.2107G>T (p.Val703Phe)

Gene: PLCE1 (phospholipase C epsilon 1; plus strand). Cytogenetic location: 10q23.33.
Variant type: single nucleotide variant.
Coding change: c.2107G>T on transcript NM_016341.4 (MANE Select); coding-DNA position 2107, G replaced by T.
Protein change: p.Val703Phe; replaces valine 703 with phenylalanine.
Molecular consequence: missense variant.
Genome position (GRCh38, 1-based): chr10:94,234,205, G>T. VCF-style: chr10-94234205-G-T. GRCh37 (hg19) VCF-style: chr10-95993962-G-T.
Other names: c.2107G>T (NM_016341.3); c.1183G>T, p.Val395Phe (NM_001165979.2); c.2107G>T, p.Val703Phe (NM_001288989.2); short protein forms V703F, V395F.
Identifiers: ClinVar variation 3598618 (VCV003598618.3).

ClinVar aggregate classification (germline): Uncertain significance. Review status: criteria provided, multiple submitters, no conflicts (2 of 4 stars). 3 submissions from 3 submitters: Uncertain significance (3). Last evaluated 2025-08-14.

Conditions:
PLCE1-related disorder. Also called: PLCE1-related condition.
Inborn genetic diseases. Identifiers: MedGen C0950123, MeSH D030342.
Nephrotic syndrome, type 3 (NPHS3). Also called: NEPHROTIC SYNDROME, EARLY-ONSET, TYPE 3. Identifiers: Orphanet 656, MedGen C1853124, MONDO:0012546, OMIM 610725.

gnomAD v4.1: 63 of 1,614,060 alleles (0.0039%); highest among the groups gnomAD compares: Non-Finnish European, 0.0047%; no homozygotes.

Submissions (3):

Ambry Genetics
Classification: Uncertain significance for Inborn genetic diseases. Last evaluated: 2025-08-14. Review status: criteria provided, single submitter. Criteria: Ambry Variant Classification Scheme 2023. Collection method: clinical testing. Allele origin: germline.

PreventionGenetics, part of Exact Sciences
Classification: Uncertain significance for PLCE1-related condition. Last evaluated: 2024-12-02. Review status: criteria provided, single submitter. Criteria: ACMG Guidelines, 2015. Collection method: clinical testing. Allele origin: germline.
Comment: The PLCE1 c.2107G>T variant is predicted to result in the amino acid substitution p.Val703Phe. To our knowledge, this variant has not been reported in the literature. This variant is reported in 0.0078% of alleles in individuals of European (Non-Finnish) descent in gnomAD. At this time, the clinical significance of this variant is uncertain due to the absence of conclusive functional and genetic evidence.

Fulgent Genetics
Classification: Uncertain significance for Nephrotic syndrome, type 3. Last evaluated: 2024-06-11. Review status: criteria provided, single submitter. Criteria: ACMG Guidelines, 2015. Collection method: clinical testing. Allele origin: germline.